The following is an entry in ClinVar:

ClinVar aggregate classification (germline): Uncertain significance (1 of 4 stars; one submission).

Conditions:
Familial thoracic aortic aneurysm and aortic dissection (TAAD). Also called: Thoracic aortic aneurysms and dissections. Identifiers: Orphanet 91387, MedGen C4707243, MONDO:0019625.
Hereditary cancer-predisposing syndrome. Also called: Neoplastic Syndromes, Hereditary; Tumor predisposition; Hereditary neoplastic syndrome; Hereditary Cancer Syndrome. Identifiers: Orphanet 140162, MedGen C0027672, MeSH D009386, MONDO:0015356.

Submission:

Ambry Genetics
Classification: Uncertain significance for Hereditary cancer-predisposing syndrome; Familial thoracic aortic aneurysm and aortic dissection. Last evaluated: 2025-04-03. Review status: criteria provided, single submitter. Criteria: Ambry Variant Classification Scheme 2023. Collection method: clinical testing. Allele origin: germline.
Comment: The p.I525M variant (also known as c.1575T>G), located in coding exon 11 of the SMAD4 gene, results from a T to G substitution at nucleotide position 1575. The isoleucine at codon 525 is replaced by methionine, an amino acid with highly similar properties. This amino acid position is conserved. In addition, this alteration is predicted to be deleterious by in silico analysis. Based on the available evidence, the clinical significance of this variant remains unclear.

NM_005359.6(SMAD4):c.1575T>G (p.Ile525Met)

Gene: SMAD4 (SMAD family member 4; plus strand). Cytogenetic location: 18q21.2.
Variant type: single nucleotide variant.
Coding change: c.1575T>G on transcript NM_005359.6 (MANE Select); coding-DNA position 1575, T replaced by G.
Protein change: p.Ile525Met; replaces isoleucine 525 with methionine.
Molecular consequence: missense variant. On other transcripts: non-coding transcript variant (1).
Genome position (GRCh38, 1-based): chr18:51,078,383, T>G. VCF-style: chr18-51078383-T-G. GRCh37 (hg19) VCF-style: chr18-48604753-T-G.
Other names: c.1575T>G, p.Ile525Met (NM_001407041.1, NM_001407042.1); short protein forms I525M.
Identifiers: ClinVar variation 4043033 (VCV004043033.1).